The following is an entry in ClinVar:

NM_016169.4(SUFU):c.60G>C (p.Pro20=)

Genes: SUFU (SUFU negative regulator of hedgehog signaling; plus strand), LOC130004614 (ATAC-STARR-seq lymphoblastoid silent region 2764; plus strand). Cytogenetic location: 10q24.32.
Variant type: single nucleotide variant.
Coding change: c.60G>C on transcript NM_016169.4 (MANE Select); coding-DNA position 60, G replaced by C.
Protein change: p.Pro20=; no amino-acid change (proline 20 retained).
Molecular consequence: synonymous variant.
Genome position (GRCh38, 1-based): chr10:102,504,212, G>C. VCF-style: chr10-102504212-G-C. GRCh37 (hg19) VCF-style: chr10-104263969-G-C.
Other names: c.60G>C, p.Pro20= (NM_001178133.2).
Identifiers: ClinVar variation 1751617 (VCV001751617.28), dbSNP rs1589969926, ClinGen allele CA471304818.

ClinVar aggregate classification (germline): Likely benign. Review status: criteria provided, multiple submitters, no conflicts (2 of 4 stars). 3 submissions from 3 submitters: Likely benign (3). Last evaluated 2025-07-02.

Conditions:
Medulloblastoma (MDB). Also called: Medulloblastoma, somatic; MEDULLOBLASTOMA PREDISPOSITION SYNDROME. Identifiers: Orphanet 616, MedGen C0025149, MeSH D008527, MONDO:0007959, OMIM 155255, HP:0002885.
Gorlin syndrome. Also called: Nevoid Basal Cell Carcinoma Syndrome; Basal cell nevus syndrome. Identifiers: Orphanet 377, MedGen C0004779, MONDO:0007187.
Hereditary cancer-predisposing syndrome. Also called: Hereditary neoplastic syndrome; Neoplastic Syndromes, Hereditary; Tumor predisposition; Hereditary Cancer Syndrome. Identifiers: Orphanet 140162, MedGen C0027672, MeSH D009386, MONDO:0015356.

Submissions (3):

Labcorp Genetics (formerly Invitae), Labcorp
Classification: Likely benign for Gorlin syndrome; Medulloblastoma. Last evaluated: 2025-07-02. Review status: criteria provided, single submitter. Criteria: Invitae Variant Classification Sherloc (09022015). Collection method: clinical testing. Allele origin: germline.

CeGaT Center for Human Genetics Tuebingen
Classification: Likely benign. Last evaluated: 2023-02-01. Review status: criteria provided, single submitter. Criteria: CeGaT Center For Human Genetics Tuebingen Variant Classification Criteria Version 2. Collection method: clinical testing. Allele origin: germline. Affected: yes. Observed: 1 variant allele.
Comment: SUFU: PM2:Supporting, BP4, BP7

Ambry Genetics
Classification: Likely benign for Hereditary cancer-predisposing syndrome. Last evaluated: 2021-12-10. Review status: criteria provided, single submitter. Criteria: Ambry Variant Classification Scheme 2023. Collection method: clinical testing. Allele origin: germline.